The following is an entry in ClinVar:

NM_004713.6(NEMF):c.2402A>G (p.Glu801Gly)

Gene: NEMF (nuclear export mediator factor; minus strand). Cytogenetic location: 14q21.3.
Variant type: single nucleotide variant.
Coding change: c.2402A>G on transcript NM_004713.6 (MANE Select); coding-DNA position 2402, A replaced by G.
Protein change: p.Glu801Gly; replaces glutamic acid 801 with glycine.
Molecular consequence: missense variant.
Genome position (GRCh38, 1-based): chr14:49,799,649, T>C on the plus strand (A>G on the coding strand, the complement: NEMF is on the minus strand). VCF-style: chr14-49799649-T-C. GRCh37 (hg19) VCF-style: chr14-50266367-T-C.
Other names: c.2339A>G, p.Glu780Gly (NM_001301732.3); short protein forms E780G, E801G.
Identifiers: ClinVar variation 4082719 (VCV004082719.1).
Genomic context (GRCh38, chr14:49,799,649, plus strand): 5'-TATTCACTGAGAATCGGATGTTCTTCATAAAACTGAAAATAGCTTACAGAATTAGAAGAT[T>C]CCTCTTTTGAAGCCAATTTCTGGATGGACCTATGAAAATAAACACAAGGGAGTCTCTACT-3'
Protein context (NP_004704.3, residues 791-811): RSIQKLASKE[Glu801Gly]SSNSSDSKSQ

ClinVar aggregate classification (germline): Uncertain significance (1 of 4 stars; one submission).

gnomAD v4.1: 20 of 1,612,242 alleles (0.0012%); highest among the groups gnomAD compares: South Asian, 0.019%; no homozygotes.

Submission:

GeneDx
Classification: Uncertain significance. Last evaluated: 2025-02-28. Review status: criteria provided, single submitter. Criteria: GeneDx Variant Classification Process June 2021. Collection method: clinical testing. Allele origin: germline. Affected: yes.
Comment: In silico analysis supports that this missense variant has a deleterious effect on protein structure/function; Has not been previously published as pathogenic or benign to our knowledge